The following is an entry in ClinVar:

NM_001365951.3(KIF1B):c.1784T>C (p.Val595Ala)

Gene: KIF1B (kinesin family member 1B; plus strand). Cytogenetic location: 1p36.22.
Variant type: single nucleotide variant.
Coding change: c.1784T>C on transcript NM_001365951.3 (MANE Select); coding-DNA position 1784, T replaced by C.
Protein change: p.Val595Ala; replaces valine 595 with alanine.
Molecular consequence: missense variant.
Genome position (GRCh38, 1-based): chr1:10,296,588, T>C. VCF-style: chr1-10296588-T-C. GRCh37 (hg19) VCF-style: chr1-10356646-T-C.
Other names: c.1784T>C, p.Val595Ala (NM_001365952.1); c.1646T>C, p.Val549Ala (NM_001365953.1, NM_015074.3, NM_183416.4); short protein forms V549A, V595A.
Identifiers: ClinVar variation 1777161 (VCV001777161.2), dbSNP rs2521397395, ClinGen allele CA338315492.
Genomic context (GRCh38, chr1:10,296,588, plus strand): 5'-ATTTGATTCCAATAGTTTGTAATGATAACATTAGTTTGTGTTTGTTCCTCTTAGTTATCG[T>C]GACCTTAGAGCCCTGTGAGCGCTCAGAAACCTACGTAAATGGCAAGAGGGTGTCCCAGCC-3'
Protein context (NP_001352880.1, residues 585-605): SERSNSGEVI[Val595Ala]TLEPCERSET

ClinVar aggregate classification (germline): Uncertain significance (1 of 4 stars; one submission).

Submission:

Ambry Genetics
Classification: Uncertain significance. Last evaluated: 2022-08-28. Review status: criteria provided, single submitter. Criteria: Ambry Variant Classification Scheme 2023. Collection method: clinical testing. Allele origin: germline.
Comment: The p.V549A variant (also known as c.1646T>C), located in coding exon 17 of the KIF1B gene, results from a T to C substitution at nucleotide position 1646. The valine at codon 549 is replaced by alanine, an amino acid with similar properties. This amino acid position is conserved. In addition, this alteration is predicted to be deleterious by in silico analysis. Since supporting evidence is limited at this time, the clinical significance of this alteration remains unclear.